The following is an entry in ClinVar:

NM_001387283.1(SMARCA4):c.4202C>T (p.Ala1401Val)

Gene: SMARCA4 (SWI/SNF related BAF chromatin remodeling complex subunit ATPase 4; plus strand). Cytogenetic location: 19p13.2.
Variant type: single nucleotide variant.
Coding change: c.4202C>T on transcript NM_001387283.1 (MANE Plus Clinical); coding-DNA position 4202, C replaced by T.
Protein change: p.Ala1401Val; replaces alanine 1401 with valine.
Molecular consequence: missense variant. On other transcripts: intron variant (7).
Genome position (GRCh38, 1-based): chr19:11,039,489, C>T. VCF-style: chr19-11039489-C-T. GRCh37 (hg19) VCF-style: chr19-11150165-C-T.
Other names: c.4202C>T, p.Ala1401Val (NM_001128849.3); c.4171-1818C>T (NM_001128844.3, NM_003072.5); c.4072-1818C>T (NM_001128847.4, NM_001374457.1, NM_001128848.2); c.4072-1809C>T (NM_001128845.2, NM_001128846.2); short protein forms A1401V.
Identifiers: ClinVar variation 484834 (VCV000484834.17), dbSNP rs771008873, ClinGen allele CA9204631.

ClinVar aggregate classification (germline): Conflicting classifications of pathogenicity. Review status: criteria provided, conflicting classifications (1 of 4 stars). 4 submissions from 4 submitters: Uncertain significance (3); Likely benign (1). Last evaluated 2025-12-24.

Conditions:
Rhabdoid tumor predisposition syndrome 2 (RTPS2). Identifiers: Orphanet 231108, Orphanet 69077, MedGen C2750074, MONDO:0013224, OMIM 613325.
Hereditary cancer-predisposing syndrome. Also called: Neoplastic Syndromes, Hereditary; Tumor predisposition; Hereditary Cancer Syndrome; Hereditary neoplastic syndrome. Identifiers: Orphanet 140162, MedGen C0027672, MeSH D009386, MONDO:0015356.

Allele frequency attached by ClinVar (database versions not stated): gnomAD exomes below 0.00001; ExAC 0.00001; gnomAD 0.00001; TOPMed 0.00001.
gnomAD v4.1: 8 of 1,603,038 alleles (0.0005%); highest among the groups gnomAD compares: Non-Finnish European, 0.00068%; no homozygotes.

Submissions (4):

Labcorp Genetics (formerly Invitae), Labcorp
Classification: Uncertain significance for Rhabdoid tumor predisposition syndrome 2. Last evaluated: 2025-12-24. Review status: criteria provided, single submitter. Criteria: Invitae Variant Classification Sherloc (09022015). Collection method: clinical testing. Allele origin: germline.
Comment: This sequence change replaces alanine, which is neutral and non-polar, with valine, which is neutral and non-polar, at codon 1401 of the SMARCA4 protein (p.Ala1401Val). The frequency data for this variant in the population databases is considered unreliable, as metrics indicate poor data quality at this position in the gnomAD database. This variant has not been reported in the literature in individuals affected with SMARCA4-related conditions. ClinVar contains an entry for this variant (Variation ID: 484834). An algorithm developed to predict the effect of missense changes on protein structure and function outputs the following: PolyPhen-2: "Benign". The valine amino acid residue is found in multiple mammalian species, which suggests that this missense change does not adversely affect protein function. In summary, the available evidence is currently insufficient to determine the role of this variant in disease. Therefore, it has been classified as a Variant of Uncertain Significance.

Ambry Genetics
Classification: Likely benign for Hereditary cancer-predisposing syndrome. Last evaluated: 2022-11-10. Review status: criteria provided, single submitter. Criteria: Ambry Variant Classification Scheme 2023. Collection method: clinical testing. Allele origin: germline.

GeneDx
Classification: Uncertain significance. Last evaluated: 2022-03-22. Review status: criteria provided, single submitter. Criteria: GeneDx Variant Classification Process June 2021. Collection method: clinical testing. Allele origin: germline. Affected: yes.
Comment: In silico analysis supports that this missense variant does not alter protein structure/function; Has not been previously published as pathogenic or benign to our knowledge

Sema4
Classification: Uncertain significance for Hereditary cancer-predisposing syndrome. Last evaluated: 2021-06-08. Review status: criteria provided, single submitter. Criteria: Sema4 Curation Guidelines. Collection method: curation. Allele origin: germline.
Comment: The SMARCA4 c.4202C>T (p.A1401V) variant has not been reported in the literature to our knowledge. It was observed in 1/105948 chromosomes in the Non-Finnish European subpopulation by the Genome Aggregation Database (PMID: 32461654). The variant has been reported in ClinVar (Variation ID: 484834). In silico tools suggest the impact of the variant on protein function is inconclusive, though these predictions have not been confirmed by functional studies. The evidence is insufficient to meet ACMG/AMP criteria for classifying the variant as benign or pathogenic. Thus, the clinical significance of this variant is currently uncertain.